The following is an entry in ClinVar:

NM_001378452.1(ITPR1):c.1125G>A (p.Leu375=)

Gene: ITPR1 (inositol 1,4,5-trisphosphate receptor type 1; plus strand). Cytogenetic location: 3p26.1.
Variant type: single nucleotide variant.
Coding change: c.1125G>A on transcript NM_001378452.1 (MANE Select); coding-DNA position 1125, G replaced by A.
Protein change: p.Leu375=; no amino-acid change (leucine 375 retained).
Molecular consequence: synonymous variant.
Genome position (GRCh38, 1-based): chr3:4,658,252, G>A. VCF-style: chr3-4658252-G-A. GRCh37 (hg19) VCF-style: chr3-4699936-G-A.
Other names: p.Leu360=; c.1080G>A (NM_002222.6); c.1125G>A, p.Leu375= (NM_001099952.4); c.1080G>A, p.Leu360= (NM_001168272.2, NM_002222.7).
Identifiers: ClinVar variation 345605 (VCV000345605.22), dbSNP rs2306869, ClinGen allele CA2231097.
Genomic context (GRCh38, chr3:4,658,252, plus strand): 5'-GGTCTCTGTGCCTGAAGGCAATGACATCTCCTCCATTTTCGAGCTAGATCCCACCACTCT[G>A]CGTGGAGGTGACAGCCTTGTCCCAAGGTATCATTTTAAAATTGCTTTTCCCCAAAGAATC-3'
Protein context (NP_001365381.1, residues 365-385): SSIFELDPTT[Leu375=]RGGDSLVPRN

ClinVar aggregate classification (germline): Benign. Review status: criteria provided, multiple submitters, no conflicts (2 of 4 stars). 8 submissions from 8 submitters: Benign (6). 2 of the submissions do not count toward it. Last evaluated 2026-01-28.

Conditions:
Autosomal dominant cerebellar ataxia. Also called: Spinocerebellar Ataxia, Dominant. Identifiers: Orphanet 99, MedGen C4087347, MONDO:0020380.

Allele frequency attached by ClinVar (database versions not stated): 1000 Genomes Project 0.04213; 1000 Genomes Project 30x 0.04482.
gnomAD v4.1: 12,040 of 1,612,258 alleles (0.75%); highest among the groups gnomAD compares: African/African-American, 13%; 649 homozygotes.

Submissions (8):

Labcorp Genetics (formerly Invitae), Labcorp
Classification: Benign. Last evaluated: 2026-01-28. Review status: criteria provided, single submitter. Criteria: Invitae Variant Classification Sherloc (09022015). Collection method: clinical testing. Allele origin: germline.

Athena Diagnostics
Classification: Benign. Last evaluated: 2024-02-01. Review status: criteria provided, single submitter. Criteria: Athena Diagnostics Criteria. Collection method: clinical testing. Allele origin: unknown.

Mayo Clinic Laboratories, Mayo Clinic
Classification: Benign. Last evaluated: 2023-05-22. Review status: criteria provided, single submitter. Criteria: ACMG Guidelines, 2015. Collection method: clinical testing. Allele origin: germline. Observed: 14 variant alleles.

GeneDx
Classification: Benign. Last evaluated: 2018-07-03. Review status: criteria provided, single submitter. Criteria: GeneDx Variant Classification Process June 2021. Collection method: clinical testing. Allele origin: germline. Affected: yes.

Illumina Laboratory Services, Illumina
Classification: Benign for Spinocerebellar Ataxia, Dominant. Last evaluated: 2018-01-13. Review status: criteria provided, single submitter. Criteria: ICSL Variant Classification Criteria 13 December 2019. Collection method: clinical testing. Allele origin: germline.
Comment: This variant was observed in the ICSL laboratory as part of a predisposition screen in an ostensibly healthy population. It had not been previously curated by ICSL or reported in the Human Gene Mutation Database (HGMD: prior to June 1st, 2018), and was therefore a candidate for classification through an automated scoring system. Utilizing variant allele frequency, disease prevalence and penetrance estimates, and inheritance mode, an automated score was calculated to assess if this variant is too frequent to cause the disease. Based on the score and internal cut-off values, a variant classified as benign is not then subjected to further curation. The score for this variant resulted in a classification of benign for this disease.

Breakthrough Genomics
Classification: Benign. Review status: criteria provided, single submitter. Criteria: ACMG Guidelines, 2015. Collection method: not provided. Allele origin: germline. Inheritance: Autosomal dominant inheritance. Affected: yes.

Clinical Genetics DNA and cytogenetics Diagnostics Lab, Erasmus MC, Erasmus Medical Center
Classification: Benign. Review status: no assertion criteria provided. Collection method: clinical testing. Allele origin: germline. Affected: yes. Study: VKGL Data-share Consensus. Not counted in ClinVar's aggregate classification.

Diagnostic Laboratory, Department of Genetics, University Medical Center Groningen
Classification: Benign. Review status: no assertion criteria provided. Collection method: clinical testing. Allele origin: germline. Affected: yes. Study: VKGL Data-share Consensus. Not counted in ClinVar's aggregate classification.